The following is an entry in ClinVar:

NM_005732.4(RAD50):c.1553T>C (p.Leu518Pro)

Gene: RAD50 (RAD50 double strand break repair protein; plus strand). Cytogenetic location: 5q31.1.
Variant type: single nucleotide variant.
Coding change: c.1553T>C on transcript NM_005732.4 (MANE Select); coding-DNA position 1553, T replaced by C.
Protein change: p.Leu518Pro; replaces leucine 518 with proline.
Molecular consequence: missense variant.
Genome position (GRCh38, 1-based): chr5:132,591,324, T>C. VCF-style: chr5-132591324-T-C. GRCh37 (hg19) VCF-style: chr5-131927016-T-C.
Other names: short protein forms L518P.
Identifiers: ClinVar variation 408415 (VCV000408415.9), dbSNP rs1060501974, ClinGen allele CA16611767.
Genomic context (GRCh38, chr5:132,591,324, plus strand): 5'-AAACCTTAAAAATGGAAGTAATAAGTCTCCAAAATGAAAAAGCAGACTTAGACAGGACCC[T>C]GCGTAAACTTGACCAGGAGATGGAGCAGTTAAACCATCATACAACAACACGTACCCAAAT-3'
Protein context (NP_005723.2, residues 508-528): QNEKADLDRT[Leu518Pro]RKLDQEMEQL

ClinVar aggregate classification (germline): Uncertain significance (1 of 4 stars; one submission).

Conditions:
Hereditary cancer-predisposing syndrome. Also called: Hereditary Cancer Syndrome; Hereditary neoplastic syndrome; Neoplastic Syndromes, Hereditary; Tumor predisposition. Identifiers: Orphanet 140162, MedGen C0027672, MeSH D009386, MONDO:0015356.

Submission:

Labcorp Genetics (formerly Invitae), Labcorp
Classification: Uncertain significance for Hereditary cancer-predisposing syndrome. Last evaluated: 2022-01-27. Review status: criteria provided, single submitter. Criteria: Invitae Variant Classification Sherloc (09022015). Collection method: clinical testing. Allele origin: germline.
Comment: In summary, the available evidence is currently insufficient to determine the role of this variant in disease. Therefore, it has been classified as a Variant of Uncertain Significance. Algorithms developed to predict the effect of missense changes on protein structure and function are either unavailable or do not agree on the potential impact of this missense change (SIFT: "Deleterious"; PolyPhen-2: "Possibly Damaging"; Align-GVGD: "Class C0"). ClinVar contains an entry for this variant (Variation ID: 408415). This variant has not been reported in the literature in individuals affected with RAD50-related conditions. This variant is not present in population databases (gnomAD no frequency). This sequence change replaces leucine, which is neutral and non-polar, with proline, which is neutral and non-polar, at codon 518 of the RAD50 protein (p.Leu518Pro).